The following is an entry in ClinVar:

NM_015978.3(TNNI3K):c.788C>T (p.Pro263Leu)

Genes: FPGT-TNNI3K (FPGT-TNNI3K readthrough; plus strand), TNNI3K (TNNI3 interacting kinase; plus strand). Cytogenetic location: 1p31.1.
Variant type: single nucleotide variant.
Coding change: c.788C>T on transcript NM_015978.3 (MANE Select); coding-DNA position 788, C replaced by T.
Protein change: p.Pro263Leu; replaces proline 263 with leucine.
Molecular consequence: missense variant.
Genome position (GRCh38, 1-based): chr1:74,342,947, C>T. VCF-style: chr1-74342947-C-T. GRCh37 (hg19) VCF-style: chr1-74808631-C-T.
Other names: p.Pro263Leu; c.1091C>T, p.Pro364Leu (NM_001112808.3, NM_001199327.2); short protein forms P263L, P364L.
Identifiers: ClinVar variation 773111 (VCV000773111.38), dbSNP rs34521608, ClinGen allele CA909009.

ClinVar aggregate classification (germline): Benign/Likely benign. Review status: criteria provided, multiple submitters, no conflicts (2 of 4 stars). 8 submissions from 8 submitters: Benign (5); Likely benign (2). 1 of the submissions does not count toward it. Last evaluated 2026-02-01.

Conditions:
Atrial conduction disease. Identifiers: Orphanet 436242, MedGen CN221670, MONDO:0014500.

Allele frequency attached by ClinVar (database versions not stated): gnomAD exomes 0.00257 and 0.00244; gnomAD 0.00128 and 0.00163; TOPMed 0.00141; 1000 Genomes Project 30x 0.00156; ESP Exome Variant Server 0.00161; 1000 Genomes Project 0.00200; ExAC 0.00247.
gnomAD v4.1: 4,040 of 1,613,890 alleles (0.25%); highest among the groups gnomAD compares: Middle Eastern, 1.6%; 26 homozygotes.

Submissions (8):

Labcorp Genetics (formerly Invitae), Labcorp
Classification: Benign. Last evaluated: 2026-02-01. Review status: criteria provided, single submitter. Criteria: Invitae Variant Classification Sherloc (09022015). Collection method: clinical testing. Allele origin: germline.

ARUP Laboratories, Molecular Genetics and Genomics, ARUP Laboratories
Classification: Benign for Cardiac conduction disease with or without dilated cardiomyopathy 1. Last evaluated: 2025-05-01. Review status: criteria provided, single submitter. Criteria: ARUP Molecular Germline Variant Investigation Process 2024. Collection method: clinical testing. Allele origin: germline.

Molecular Diagnostic Laboratory for Inherited Cardiovascular Disease, Montreal Heart Institute
Classification: Likely benign. Last evaluated: 2025-04-09. Review status: criteria provided, single submitter. Criteria: ACMG Guidelines, 2015. Collection method: clinical testing. Allele origin: germline. Affected: no.

CeGaT Center for Human Genetics Tuebingen
Classification: Likely benign. Last evaluated: 2024-06-01. Review status: criteria provided, single submitter. Criteria: CeGaT Center For Human Genetics Tuebingen Variant Classification Criteria Version 2. Collection method: clinical testing. Allele origin: germline. Affected: yes. Observed: 3 variant alleles.
Comment: FPGT-TNNI3K: BP4, BS2; TNNI3K: BP4, BS2

Mayo Clinic Laboratories, Mayo Clinic
Classification: Benign. Last evaluated: 2023-04-20. Review status: criteria provided, single submitter. Criteria: ACMG Guidelines, 2015. Collection method: clinical testing. Allele origin: germline. Observed: 9 variant alleles.
Comment: BS1, BS2

Genome-Nilou Lab
Classification: Benign for Cardiac conduction disease with or without dilated cardiomyopathy 1. Last evaluated: 2023-04-11. Review status: criteria provided, single submitter. Criteria: ACMG Guidelines, 2015. Collection method: clinical testing. Allele origin: germline. Affected: no.

Breakthrough Genomics
Classification: Benign. Review status: criteria provided, single submitter. Criteria: ACMG Guidelines, 2015. Collection method: not provided. Allele origin: germline. Inheritance: Autosomal dominant inheritance. Affected: yes.

Clinical Genetics DNA and cytogenetics Diagnostics Lab, Erasmus MC, Erasmus Medical Center
Classification: Likely benign. Review status: no assertion criteria provided. Collection method: clinical testing. Allele origin: germline. Affected: yes. Study: VKGL Data-share Consensus. Not counted in ClinVar's aggregate classification.